The following is an entry in ClinVar:

ClinVar aggregate classification (germline): Uncertain significance. Review status: criteria provided, multiple submitters, no conflicts (2 of 4 stars). 2 submissions from 2 submitters: Uncertain significance (2). Last evaluated 2026-09-22.

Conditions:
ATP8B1-related disorder. Also called: ATP8B1-related disorders; ATP8B1-related condition.
Inborn genetic diseases. Identifiers: MedGen C0950123, MeSH D030342.

Allele frequency attached by ClinVar (database versions not stated): gnomAD exomes 0.00001; gnomAD 0.00005; TOPMed 0.00006.
gnomAD v4.1: 18 of 1,614,096 alleles (0.0011%); highest among the groups gnomAD compares: Admixed American, 0.015%; no homozygotes.

Submissions (2):

PreventionGenetics, part of Exact Sciences
Classification: Uncertain significance for ATP8B1-related condition. Last evaluated: 2026-09-22. Review status: criteria provided, single submitter. Criteria: ACMG Guidelines, 2015. Collection method: clinical testing. Allele origin: germline.
Comment: The ATP8B1 c.2372T>C variant is predicted to result in the amino acid substitution p.Phe791Ser. To our knowledge, this variant has not been reported in the literature or in a large population database (gnomAD), indicating this variant is rare. At this time, the clinical significance of this variant is uncertain due to the absence of conclusive functional and genetic evidence.

Ambry Genetics
Classification: Uncertain significance for Inborn genetic diseases. Last evaluated: 2023-10-24. Review status: criteria provided, single submitter. Criteria: Ambry Variant Classification Scheme 2023. Collection method: clinical testing. Allele origin: germline.

NM_001374385.1(ATP8B1):c.2372T>C (p.Phe791Ser)

Genes: ATP8B1 (ATPase phospholipid transporting 8B1; minus strand), ATP8B1-AS1 (ATP8B1 antisense RNA 1; plus strand). Cytogenetic location: 18q21.31.
Variant type: single nucleotide variant.
Coding change: c.2372T>C on transcript NM_001374385.1 (MANE Select); coding-DNA position 2372, T replaced by C.
Protein change: p.Phe791Ser; replaces phenylalanine 791 with serine.
Molecular consequence: missense variant.
Genome position (GRCh38, 1-based): chr18:57,662,529, A>G on the plus strand (T>C on the coding strand, the complement: ATP8B1 is on the minus strand). VCF-style: chr18-57662529-A-G. GRCh37 (hg19) VCF-style: chr18-55329761-A-G.
Other names: c.2222T>C, p.Phe741Ser (NM_001374386.1); c.2372T>C, p.Phe791Ser (NM_005603.6); short protein forms F741S, F791S.
Identifiers: ClinVar variation 3131973 (VCV003131973.2), dbSNP rs987452319, ClinGen allele CA300878316.